The following is an entry in ClinVar:

ClinVar aggregate classification (germline): Uncertain significance (1 of 4 stars; one submission).

Allele frequency attached by ClinVar (database versions not stated): ExAC 0.00001.

Submission:

Ambry Genetics
Classification: Uncertain significance. Last evaluated: 2022-09-17. Review status: criteria provided, single submitter. Criteria: Ambry Variant Classification Scheme 2023. Collection method: clinical testing. Allele origin: germline.
Comment: The p.M182I variant (also known as c.546G>C), located in coding exon 4 of the IDH1 gene, results from a G to C substitution at nucleotide position 546. The methionine at codon 182 is replaced by isoleucine, an amino acid with highly similar properties. This amino acid position is conserved. In addition, this alteration is predicted to be deleterious by in silico analysis. Since supporting evidence is limited at this time, the clinical significance of this alteration remains unclear.

NM_005896.4(IDH1):c.546G>C (p.Met182Ile)

Gene: IDH1 (isocitrate dehydrogenase (NADP(+)) 1; minus strand). Cytogenetic location: 2q34.
Variant type: single nucleotide variant.
Coding change: c.546G>C on transcript NM_005896.4 (MANE Select); coding-DNA position 546, G replaced by C.
Protein change: p.Met182Ile; replaces methionine 182 with isoleucine.
Molecular consequence: missense variant.
Genome position (GRCh38, 1-based): chr2:208,243,579, C>G on the plus strand (G>C on the coding strand, the complement: IDH1 is on the minus strand). VCF-style: chr2-208243579-C-G. GRCh37 (hg19) VCF-style: chr2-209108303-C-G.
Other names: c.546G>C, p.Met182Ile (NM_001282386.1, NM_001282387.1); short protein forms M182I.
Identifiers: ClinVar variation 1747730 (VCV001747730.2), dbSNP rs781132701, ClinGen allele CA2078965.
Genomic context (GRCh38, chr2:208,243,579, plus strand): 5'-AGACAGAGCCATTTGGAAGGAACTGTGTGCAAAATCTTCAATTGACTTATCTTGATTATA[C>G]ATCCCCATGGCAACACCACCACCTTCTGTAGAGGAGAAGCCAGTGAGAGGAAAAAAGGGA-3'
Protein context (NP_005887.2, residues 172-192): FEEGGGVAMG[Met182Ile]YNQDKSIEDF